The following is an entry in ClinVar:

NM_018163.3(DNAJC17):c.769C>T (p.Arg257Cys)

Gene: DNAJC17 (DnaJ heat shock protein family (Hsp40) member C17; minus strand). Cytogenetic location: 15q15.1.
Variant type: single nucleotide variant.
Coding change: c.769C>T on transcript NM_018163.3 (MANE Select); coding-DNA position 769, C replaced by T.
Protein change: p.Arg257Cys; replaces arginine 257 with cysteine.
Molecular consequence: missense variant.
Genome position (GRCh38, 1-based): chr15:40,773,750, G>A on the plus strand (C>T on the coding strand, the complement: DNAJC17 is on the minus strand). VCF-style: chr15-40773750-G-A. GRCh37 (hg19) VCF-style: chr15-41065948-G-A.
Other names: short protein forms R257C.
Identifiers: ClinVar variation 2719278 (VCV002719278.3), dbSNP rs745345780, ClinGen allele CA7485017.
Genomic context (GRCh38, chr15:40,773,750, plus strand): 5'-ACCTGAGCGCCCAGCCGGGCGAGGCCTGACTCCTCACCTTTGACAGTCCTGAGTGGCTGC[G>A]GCCCACGGCATCCTGGGGCTGTCCCTCCAACCAGGAAATCTTCAGAGGGTTATCCACCAG-3'
Protein context (NP_060633.1, residues 247-267): LEGQPQDAVG[Arg257Cys]SHSGLSKGSV

ClinVar aggregate classification (germline): Uncertain significance (1 of 4 stars; one submission).

Allele frequency attached by ClinVar (database versions not stated): ExAC 0.00001; gnomAD 0.00001; TOPMed 0.00001.

Submission:

Labcorp Genetics (formerly Invitae), Labcorp
Classification: Uncertain significance. Last evaluated: 2022-12-03. Review status: criteria provided, single submitter. Criteria: Invitae Variant Classification Sherloc (09022015). Collection method: clinical testing. Allele origin: germline.
Comment: This sequence change replaces arginine, which is basic and polar, with cysteine, which is neutral and slightly polar, at codon 257 of the DNAJC17 protein (p.Arg257Cys). This variant is present in population databases (rs745345780, gnomAD 0.007%). This variant has not been reported in the literature in individuals affected with DNAJC17-related conditions. Algorithms developed to predict the effect of missense changes on protein structure and function are either unavailable or do not agree on the potential impact of this missense change (SIFT: "Deleterious"; PolyPhen-2: "Benign"; Align-GVGD: "Class C15"). In summary, the available evidence is currently insufficient to determine the role of this variant in disease. Therefore, it has been classified as a Variant of Uncertain Significance.